The following is an entry in ClinVar:

NM_005996.4(TBX3):c.636C>T (p.Asn212=)

Gene: TBX3 (T-box transcription factor 3; minus strand). Cytogenetic location: 12q24.21.
Variant type: single nucleotide variant.
Coding change: c.636C>T on transcript NM_005996.4 (MANE Select); coding-DNA position 636, C replaced by T.
Protein change: p.Asn212=; no amino-acid change (asparagine 212 retained).
Molecular consequence: synonymous variant.
Genome position (GRCh38, 1-based): chr12:114,680,900, G>A on the plus strand (C>T on the coding strand, the complement: TBX3 is on the minus strand). VCF-style: chr12-114680900-G-A. GRCh37 (hg19) VCF-style: chr12-115118705-G-A.
Other names: c.636C>T, p.Asn212= (NM_016569.4); c.636C>T (NM_016569.3).
Identifiers: ClinVar variation 1605518 (VCV001605518.9), dbSNP rs1868898424, ClinGen allele CA481933209.

ClinVar aggregate classification (germline): Likely benign. Review status: criteria provided, single submitter (1 of 4 stars). 2 submissions from 2 submitters: Likely benign (1). 1 of the submissions does not count toward it. Last evaluated 2022-07-05.

Conditions:
TBX3-related disorder. Also called: TBX3-related condition.
Ulnar-mammary syndrome (UMS). Also called: SCHINZEL SYNDROME; Ulnar-mammary syndrome of Pallister; PALLISTER ULNAR-MAMMARY SYNDROME. Identifiers: Orphanet 3138, MedGen C1866994, MONDO:0008411, OMIM 181450.

Allele frequency attached by ClinVar (database versions not stated): gnomAD exomes below 0.00001; gnomAD 0.00001; TOPMed 0.00001.
gnomAD v4.1: 2 of 1,614,036 alleles (0.00012%); highest among the groups gnomAD compares: African/African-American, 0.0013%; no homozygotes.

Submissions (2):

Labcorp Genetics (formerly Invitae), Labcorp
Classification: Likely benign for Ulnar-mammary syndrome. Last evaluated: 2022-07-05. Review status: criteria provided, single submitter. Criteria: Invitae Variant Classification Sherloc (09022015). Collection method: clinical testing. Allele origin: germline.

PreventionGenetics, part of Exact Sciences
Classification: Likely benign for TBX3-related condition. Last evaluated: 2023-11-05. Review status: no assertion criteria provided. Collection method: clinical testing. Allele origin: germline. Not counted in ClinVar's aggregate classification.
Comment: This variant is classified as likely benign based on ACMG/AMP sequence variant interpretation guidelines (Richards et al. 2015 PMID: 25741868, with internal and published modifications).